The following is an entry in ClinVar:

NM_000346.4(SOX9):c.785G>T (p.Gly262Val)

Gene: SOX9 (SRY-box transcription factor 9; plus strand). Cytogenetic location: 17q24.3.
Variant type: single nucleotide variant.
Coding change: c.785G>T on transcript NM_000346.4 (MANE Select); coding-DNA position 785, G replaced by T.
Protein change: p.Gly262Val; replaces glycine 262 with valine.
Molecular consequence: missense variant.
Genome position (GRCh38, 1-based): chr17:72,123,642, G>T. VCF-style: chr17-72123642-G-T. GRCh37 (hg19) VCF-style: chr17-70119783-G-T.
Other names: short protein forms G262V.
Identifiers: ClinVar variation 1980754 (VCV001980754.4), dbSNP rs1196485591, ClinGen allele CA400867039.

ClinVar aggregate classification (germline): Uncertain significance (1 of 4 stars; one submission).

Conditions:
Camptomelic dysplasia (CMPD). Also called: Campomelic Dysplasia; CMPD1/SRA1. Identifiers: Orphanet 140, MedGen C1861922, MONDO:0007251, OMIM 114290.

Allele frequency attached by ClinVar (database versions not stated): gnomAD exomes below 0.00001; TOPMed below 0.00001.
gnomAD v4.1: 3 of 1,614,136 alleles (0.00019%); highest among the groups gnomAD compares: Non-Finnish European, 0.00025%; no homozygotes.

Submission:

Labcorp Genetics (formerly Invitae), Labcorp
Classification: Uncertain significance for Camptomelic dysplasia. Last evaluated: 2022-09-22. Review status: criteria provided, single submitter. Criteria: Invitae Variant Classification Sherloc (09022015). Collection method: clinical testing. Allele origin: germline.
Comment: In summary, the available evidence is currently insufficient to determine the role of this variant in disease. Therefore, it has been classified as a Variant of Uncertain Significance. Advanced modeling of protein sequence and biophysical properties (such as structural, functional, and spatial information, amino acid conservation, physicochemical variation, residue mobility, and thermodynamic stability) performed at Invitae indicates that this missense variant is not expected to disrupt SOX9 protein function. This variant has not been reported in the literature in individuals affected with SOX9-related conditions. This variant is not present in population databases (gnomAD no frequency). This sequence change replaces glycine, which is neutral and non-polar, with valine, which is neutral and non-polar, at codon 262 of the SOX9 protein (p.Gly262Val).